The following is an entry in ClinVar:

ClinVar aggregate classification (germline): Uncertain significance (1 of 4 stars; one submission).

Conditions:
Progressive encephalopathy with leukodystrophy due to DECR deficiency. Identifiers: Orphanet 431361, MedGen C1857252, MONDO:0014464, OMIM 616034.

Submission:

Labcorp Genetics (formerly Invitae), Labcorp
Classification: Uncertain significance for Progressive encephalopathy with leukodystrophy due to DECR deficiency. Last evaluated: 2024-09-25. Review status: criteria provided, single submitter. Criteria: Invitae Variant Classification Sherloc (09022015). Collection method: clinical testing. Allele origin: germline.
Comment: This sequence change replaces alanine, which is neutral and non-polar, with proline, which is neutral and non-polar, at codon 62 of the NADK2 protein (p.Ala62Pro). This variant is not present in population databases (gnomAD no frequency). This variant has not been reported in the literature in individuals affected with NADK2-related conditions. ClinVar contains an entry for this variant (Variation ID: 1951837). Invitae Evidence Modeling of protein sequence and biophysical properties (such as structural, functional, and spatial information, amino acid conservation, physicochemical variation, residue mobility, and thermodynamic stability) indicates that this missense variant is not expected to disrupt NADK2 protein function with a negative predictive value of 80%. In summary, the available evidence is currently insufficient to determine the role of this variant in disease. Therefore, it has been classified as a Variant of Uncertain Significance.

NM_001085411.3(NADK2):c.184G>C (p.Ala62Pro)

Genes: NADK2 (NAD kinase 2, mitochondrial; minus strand), LOC129993801 (ATAC-STARR-seq lymphoblastoid silent region 15972; plus strand). Cytogenetic location: 5p13.2.
Variant type: single nucleotide variant.
Coding change: c.184G>C on transcript NM_001085411.3 (MANE Select); coding-DNA position 184, G replaced by C.
Protein change: p.Ala62Pro; replaces alanine 62 with proline.
Molecular consequence: missense variant. On other transcripts: intron variant (2).
Genome position (GRCh38, 1-based): chr5:36,241,615, C>G on the plus strand (G>C on the coding strand, the complement: NADK2 is on the minus strand). VCF-style: chr5-36241615-C-G. GRCh37 (hg19) VCF-style: chr5-36241717-C-G.
Other names: c.-190+481G>C (NM_153013.5, NM_001287341.2); short protein forms A62P.
Identifiers: ClinVar variation 1951837 (VCV001951837.5), dbSNP rs2546229768, ClinGen allele CA359447838.